The following is an entry in ClinVar:

ClinVar aggregate classification (germline): Benign/Likely benign. Review status: criteria provided, multiple submitters, no conflicts (2 of 4 stars). 3 submissions from 3 submitters: Benign (1); Likely benign (2). Last evaluated 2025-09-01.

Allele frequency attached by ClinVar (database versions not stated): TOPMed 0.00007; gnomAD 0.00044; 1000 Genomes Project 0.00260; 1000 Genomes Project 30x 0.00281.
gnomAD v4.1: 1,089 of 1,607,692 alleles (0.068%); highest among the groups gnomAD compares: South Asian, 1.1%; 18 homozygotes.

Submissions (3):

CeGaT Center for Human Genetics Tuebingen
Classification: Benign. Last evaluated: 2025-09-01. Review status: criteria provided, single submitter. Criteria: CeGaT Center For Human Genetics Tuebingen Variant Classification Criteria Version 2. Collection method: clinical testing. Allele origin: germline. Affected: yes. Observed: 1 variant allele.
Comment: TRIO: BP4, BS1, BS2

Blueprint Genetics
Classification: Likely benign. Last evaluated: 2024-10-08. Review status: criteria provided, single submitter. Criteria: ACMG Guidelines, 2015. Collection method: clinical testing. Allele origin: germline.

GeneDx
Classification: Likely benign. Last evaluated: 2020-07-29. Review status: criteria provided, single submitter. Criteria: GeneDx Variant Classification Process June 2021. Collection method: clinical testing. Allele origin: germline. Affected: yes.

NM_007118.4(TRIO):c.6540G>C (p.Leu2180=)

Gene: TRIO (trio Rho guanine nucleotide exchange factor; plus strand). Cytogenetic location: 5p15.2.
Variant type: single nucleotide variant.
Coding change: c.6540G>C on transcript NM_007118.4 (MANE Select); coding-DNA position 6540, G replaced by C.
Protein change: p.Leu2180=; no amino-acid change (leucine 2180 retained).
Molecular consequence: synonymous variant. On other transcripts: non-coding transcript variant (1).
Genome position (GRCh38, 1-based): chr5:14,482,656, G>C. VCF-style: chr5-14482656-G-C. GRCh37 (hg19) VCF-style: chr5-14482765-G-C.
Identifiers: ClinVar variation 1207012 (VCV001207012.11), dbSNP rs543537234, ClinGen allele CA3207152.